The following is an entry in ClinVar:

ClinVar aggregate classification (germline): Likely benign. Review status: criteria provided, multiple submitters, no conflicts (2 of 4 stars). 2 submissions from 2 submitters: Likely benign (2). Last evaluated 2026-01-24.

Conditions:
Infantile neuroaxonal dystrophy (NBIA2A). Also called: Infantile neuroaxonal dystrophy 1; SEITELBERGER DISEASE; NEURODEGENERATION WITH BRAIN IRON ACCUMULATION 2A. Identifiers: Orphanet 35069, MedGen C0270724, MONDO:0024457, OMIM 256600.

Allele frequency attached by ClinVar (database versions not stated): gnomAD 0.00005 and 0.00006; gnomAD exomes 0.00006 and 0.00011; TOPMed 0.00007; ExAC 0.00008; ESP Exome Variant Server 0.00031.
gnomAD v4.1: 173 of 1,612,940 alleles (0.011%); highest among the groups gnomAD compares: East Asian, 0.013%; no homozygotes.

Submissions (2):

Labcorp Genetics (formerly Invitae), Labcorp
Classification: Likely benign for Infantile neuroaxonal dystrophy. Last evaluated: 2026-01-24. Review status: criteria provided, single submitter. Criteria: Invitae Variant Classification Sherloc (09022015). Collection method: clinical testing. Allele origin: germline.

CeGaT Center for Human Genetics Tuebingen
Classification: Likely benign. Last evaluated: 2025-09-01. Review status: criteria provided, single submitter. Criteria: CeGaT Center For Human Genetics Tuebingen Variant Classification Criteria Version 2. Collection method: clinical testing. Allele origin: germline. Affected: yes. Observed: 1 variant allele.
Comment: PLA2G6: BP4, BP7

NM_003560.4(PLA2G6):c.237C>T (p.Asp79=)

Gene: PLA2G6 (phospholipase A2 group VI; minus strand). Cytogenetic location: 22q13.1.
Variant type: single nucleotide variant.
Coding change: c.237C>T on transcript NM_003560.4 (MANE Select); coding-DNA position 237, C replaced by T.
Protein change: p.Asp79=; no amino-acid change (aspartic acid 79 retained).
Molecular consequence: synonymous variant. On other transcripts: 5 prime UTR variant (3).
Genome position (GRCh38, 1-based): chr22:38,145,626, G>A on the plus strand (C>T on the coding strand, the complement: PLA2G6 is on the minus strand). VCF-style: chr22-38145626-G-A. GRCh37 (hg19) VCF-style: chr22-38541633-G-A.
Other names: c.237C>T, p.Asp79= (NM_001004426.3, NM_001199562.3, NM_001349864.2 and 2 more transcripts); c.-298C>T (NM_001349867.2, NM_001349869.2); c.-254C>T (NM_001349868.2).
Identifiers: ClinVar variation 772596 (VCV000772596.15), dbSNP rs143953199, ClinGen allele CA10231308.